The following is an entry in ClinVar:

NM_001127898.4(CLCN5):c.604-1G>C

Gene: CLCN5 (Cl-/H+ antiporter 5; plus strand). Cytogenetic location: Xp11.23.
Variant type: single nucleotide variant.
Coding change: c.604-1G>C on transcript NM_001127898.4 (MANE Select); the canonical splice acceptor site of the intron before coding-DNA position 604, G replaced by C.
Molecular consequence: splice acceptor variant.
Genome position (GRCh38, 1-based): chrX:50,080,593, G>C. VCF-style: chrX-50080593-G-C. GRCh37 (hg19) VCF-style: chrX-49845250-G-C.
Other names: c.604-1G>C (NM_001127899.4); c.394-1G>C (NM_000084.5); c.454-1G>C (NM_001282163.2).
Identifiers: ClinVar variation 2862976 (VCV002862976.4), dbSNP rs2519419185, ClinGen allele CA413183461.
Genomic context (GRCh38, chrX:50,080,593, plus strand): 5'-AGCTGCATGTCTCACTGAAGCTGTCTAGGCTAAAACAAGCTTCTTTTTCCCCCTGTTCCA[G>C]GGAGCCTTTGCCTACATAGTCAATTATTTCATGTACGTCCTCTGGGCTCTCCTATTTGCC-3'

ClinVar aggregate classification (germline): Likely pathogenic. Review status: criteria provided, multiple submitters, no conflicts (2 of 4 stars). 2 submissions from 2 submitters: Likely pathogenic (2). Last evaluated 2024-04-10.

Conditions:
Dent disease type 1 (DENT1). Also called: NEPHROLITHIASIS 2; NEPHROLITHIASIS, HYPERCALCIURIC, X-LINKED. Identifiers: Orphanet 1652, Orphanet 93622, MedGen C1848336, MONDO:0010225, OMIM 300009.

Submissions (2):

MVZ Medizinische Genetik Mainz
Classification: Likely pathogenic for Dent disease type 1. Last evaluated: 2024-04-10. Review status: criteria provided, single submitter. Criteria: UK Practice Guidelines For Variant Classification V4 01 2020. Collection method: clinical testing. Allele origin: germline. Inheritance: X-linked dominant inheritance. Affected: yes. Observed: 1 variant allele.
Comment: ACMG Criteria: PVS1_STR,PM2_SUP,PP4

Labcorp Genetics (formerly Invitae), Labcorp
Classification: Likely pathogenic. Last evaluated: 2023-05-11. Review status: criteria provided, single submitter. Criteria: Invitae Variant Classification Sherloc (09022015). Collection method: clinical testing. Allele origin: germline.
Comment: This variant has not been reported in the literature in individuals affected with CLCN5-related conditions. This variant is not present in population databases (gnomAD no frequency). This sequence change affects an acceptor splice site in intron 4 of the CLCN5 gene. It is expected to disrupt RNA splicing. Variants that disrupt the donor or acceptor splice site typically lead to a loss of protein function (PMID: 16199547), and loss-of-function variants in CLCN5 are known to be pathogenic (PMID: 22876375, 25907713). Algorithms developed to predict the effect of sequence changes on RNA splicing suggest that this variant may disrupt the consensus splice site. In summary, the currently available evidence indicates that the variant is pathogenic, but additional data are needed to prove that conclusively. Therefore, this variant has been classified as Likely Pathogenic.

Literature cited by the submitters: PubMed 16199547 (cited by Labcorp Genetics (formerly Invitae), Labcorp); PubMed 22876375 (cited by Labcorp Genetics (formerly Invitae), Labcorp); PubMed 25907713 (cited by Labcorp Genetics (formerly Invitae), Labcorp).